The following is an entry in ClinVar:

NM_001122659.3(EDNRB):c.830T>G (p.Leu277Arg)

Genes: EDNRB (endothelin receptor type B; minus strand), EDNRB-AS1 (EDNRB antisense RNA 1; plus strand). Cytogenetic location: 13q22.3.
Variant type: single nucleotide variant.
Coding change: c.830T>G on transcript NM_001122659.3 (MANE Select); coding-DNA position 830, T replaced by G.
Protein change: p.Leu277Arg; replaces leucine 277 with arginine.
Molecular consequence: missense variant.
Genome position (GRCh38, 1-based): chr13:77,901,179, A>C on the plus strand (T>G on the coding strand, the complement: EDNRB is on the minus strand). VCF-style: chr13-77901179-A-C. GRCh37 (hg19) VCF-style: chr13-78475314-A-C.
Other names: c.830T>G, p.Leu277Arg (NM_000115.5, NM_003991.4); c.1100T>G, p.Leu367Arg (NM_001201397.2); short protein forms L277R, L367R.
Identifiers: ClinVar variation 870486 (VCV000870486.5), dbSNP rs1878958050, ClinGen allele CA388452156.
Genomic context (GRCh38, chr13:77,901,179, plus strand): 5'-GTCATTAGTGTATAAAAAAATGCAGTGATGGCCAATGGCAAGCAGAAATAGAAACTGAAT[A>C]GCCACCAATCTTTTGCTGTCTTGTAAAACTATAGGGATGAGAGAATTTTTACGATTAATA-3'
Protein context (NP_001116131.1, residues 267-287): QFYKTAKDWW[Leu277Arg]FSFYFCLPLA

ClinVar aggregate classification (germline): Uncertain significance (1 of 4 stars; one submission).

Conditions:
Aganglionic megacolon (HSCR). Also called: Hirschsprung's disease; Hirschsprung disease. Identifiers: Orphanet 388, MedGen C0019569, MeSH D006627, MONDO:0018309, HP:0002251.

Submission:

Diagnostics Services (NGS), CSIR - Centre For Cellular And Molecular Biology
Classification: Uncertain significance for Hirschsprung disease. Last evaluated: 2020-03-24. Review status: criteria provided, single submitter. Criteria: ACMG Guidelines, 2015. Collection method: clinical testing. Allele origin: unknown. Affected: yes. Observed: 1 heterozygote.
Comment: The c.830T>G variant is not present publicly available databases like 1000 Genomes, EVS, ExAC, gnomAD and dbSNP. The variant is also not present in our in-house exome database. The variant was not reported to OMIM, Human Genome Mutation Database (HGMD) or ClinVar databases in any affected individuals. In-silico pathogenicity prediction programs like PolyPhen-2, MutationTaster2, CADD etc. predicted this variant to be likely deleterious. There are no documented functional studies to prove this. Due to lack of enough evidence the variant has been classified as uncertain significance.